The following is an entry in ClinVar:

ClinVar aggregate classification (germline): Benign/Likely benign. Review status: criteria provided, multiple submitters, no conflicts (2 of 4 stars). 5 submissions from 5 submitters: Benign (3); Likely benign (2). Last evaluated 2026-02-03.

Conditions:
Progressive familial heart block type IB (PFHB1B). Identifiers: Orphanet 871, MedGen C1970298, MONDO:0011474, OMIM 604559.

Allele frequency attached by ClinVar (database versions not stated): gnomAD exomes 0.00090 and 0.00238; ExAC 0.00277; ESP Exome Variant Server 0.00917; gnomAD 0.00944 and 0.01005; 1000 Genomes Project 0.01058; TOPMed 0.01090; 1000 Genomes Project 30x 0.01093.
gnomAD v4.1: 2,789 of 1,599,858 alleles (0.17%); highest among the groups gnomAD compares: African/African-American, 3.3%; 46 homozygotes.

Submissions (5):

Labcorp Genetics (formerly Invitae), Labcorp
Classification: Benign for Progressive familial heart block type IB. Last evaluated: 2026-02-03. Review status: criteria provided, single submitter. Criteria: Invitae Variant Classification Sherloc (09022015). Collection method: clinical testing. Allele origin: germline.

Molecular Diagnostic Laboratory for Inherited Cardiovascular Disease, Montreal Heart Institute
Classification: Likely benign. Last evaluated: 2025-04-09. Review status: criteria provided, single submitter. Criteria: ACMG Guidelines, 2015. Collection method: clinical testing. Allele origin: germline. Affected: no.

Women's Health and Genetics/Laboratory Corporation of America, LabCorp
Classification: Benign. Last evaluated: 2024-06-24. Review status: criteria provided, single submitter. Criteria: LabCorp Variant Classification Summary - May 2015. Collection method: clinical testing. Allele origin: germline.

Illumina Laboratory Services, Illumina
Classification: Likely benign for Progressive familial heart block type IB. Last evaluated: 2018-01-12. Review status: criteria provided, single submitter. Criteria: ICSL Variant Classification Criteria 13 December 2019. Collection method: clinical testing. Allele origin: germline.
Comment: This variant was observed in the ICSL laboratory as part of a predisposition screen in an ostensibly healthy population. It had not been previously curated by ICSL or reported in the Human Gene Mutation Database (HGMD: prior to June 1st, 2018), and was therefore a candidate for classification through an automated scoring system. Utilizing variant allele frequency, disease prevalence and penetrance estimates, and inheritance mode, an automated score was calculated to assess if this variant is too frequent to cause the disease. Based on the score and internal cut-off values, a variant classified as likely benign is not then subjected to further curation. The score for this variant resulted in a classification of likely benign for this disease.

GeneDx
Classification: Benign. Last evaluated: 2016-11-21. Review status: criteria provided, single submitter. Criteria: GeneDx Variant Classification (06012015). Collection method: clinical testing. Allele origin: germline. Affected: yes.
Comment: This variant is considered likely benign or benign based on one or more of the following criteria: it is a conservative change, it occurs at a poorly conserved position in the protein, it is predicted to be benign by multiple in silico algorithms, and/or has population frequency not consistent with disease.

NM_017636.4(TRPM4):c.448+6C>T

Gene: TRPM4 (transient receptor potential cation channel subfamily M member 4; plus strand). Cytogenetic location: 19q13.33.
Variant type: single nucleotide variant.
Coding change: c.448+6C>T on transcript NM_017636.4 (MANE Select); 6 bases into the intron after coding-DNA position 448, C replaced by T.
Molecular consequence: intron variant.
Genome position (GRCh38, 1-based): chr19:49,168,103, C>T. VCF-style: chr19-49168103-C-T. GRCh37 (hg19) VCF-style: chr19-49671360-C-T.
Other names: c.448+6C>T (NM_001195227.2); c.-1105-157C>T (NM_001321282.2); c.268-450C>T (NM_001321281.2); c.-74-157C>T (NM_001321283.2); c.-237-450C>T (NM_001321285.2).
Identifiers: ClinVar variation 241179 (VCV000241179.17), dbSNP rs78051297, ClinGen allele CA9568820.